The following is an entry in ClinVar:

ClinVar aggregate classification (germline): Uncertain significance (1 of 4 stars; one submission).

Conditions:
Encephalopathy, acute, infection-induced (herpes-specific), susceptibility to, 1. Also called: Herpes simplex encephalitis, susceptibility to, 1. Identifiers: Orphanet 1930, MedGen C2750180, MONDO:0024563, OMIM 610551.

Submission:

Labcorp Genetics (formerly Invitae), Labcorp
Classification: Uncertain significance for Encephalopathy, acute, infection-induced (herpes-specific), susceptibility to, 1. Last evaluated: 2025-02-06. Review status: criteria provided, single submitter. Criteria: Invitae Variant Classification Sherloc (09022015). Collection method: clinical testing. Allele origin: germline.
Comment: This sequence change replaces isoleucine, which is neutral and non-polar, with phenylalanine, which is neutral and non-polar, at codon 855 of the TLR3 protein (p.Ile855Phe). This variant is not present in population databases (gnomAD no frequency). This variant has not been reported in the literature in individuals affected with TLR3-related conditions. An algorithm developed to predict the effect of missense changes on protein structure and function (PolyPhen-2) suggests that this variant is likely to be disruptive. In summary, the available evidence is currently insufficient to determine the role of this variant in disease. Therefore, it has been classified as a Variant of Uncertain Significance.

NM_003265.3(TLR3):c.2563A>T (p.Ile855Phe)

Gene: TLR3 (toll like receptor 3; plus strand). Cytogenetic location: 4q35.1.
Variant type: single nucleotide variant.
Coding change: c.2563A>T on transcript NM_003265.3 (MANE Select); coding-DNA position 2563, A replaced by T.
Protein change: p.Ile855Phe; replaces isoleucine 855 with phenylalanine.
Molecular consequence: missense variant.
Genome position (GRCh38, 1-based): chr4:186,084,721, A>T. VCF-style: chr4-186084721-A-T. GRCh37 (hg19) VCF-style: chr4-187005875-A-T.
Other names: short protein forms I855F.
Identifiers: ClinVar variation 4712476 (VCV004712476.1).